The following is an entry in ClinVar:

ClinVar aggregate classification (germline): Likely benign (1 of 4 stars; one submission).

Allele frequency attached by ClinVar (database versions not stated): ESP Exome Variant Server 0.00008; ExAC 0.00025.
gnomAD v4.1: 538 of 1,613,954 alleles (0.033%); highest among the groups gnomAD compares: Admixed American, 0.043%; 2 homozygotes.

Submission:

CeGaT Center for Human Genetics Tuebingen
Classification: Likely benign. Last evaluated: 2024-05-01. Review status: criteria provided, single submitter. Criteria: CeGaT Center For Human Genetics Tuebingen Variant Classification Criteria Version 2. Collection method: clinical testing. Allele origin: germline. Affected: yes. Observed: 1 variant allele.
Comment: POLR3H: BP4, BP7

NM_001018050.4(POLR3H):c.435C>T (p.Gly145=)

Gene: POLR3H (RNA polymerase III subunit H; minus strand). Cytogenetic location: 22q13.2.
Variant type: single nucleotide variant.
Coding change: c.435C>T on transcript NM_001018050.4 (MANE Select); coding-DNA position 435, C replaced by T.
Protein change: p.Gly145=; no amino-acid change (glycine 145 retained).
Molecular consequence: synonymous variant.
Genome position (GRCh38, 1-based): chr22:41,530,813, G>A on the plus strand (C>T on the coding strand, the complement: POLR3H is on the minus strand). VCF-style: chr22-41530813-G-A. GRCh37 (hg19) VCF-style: chr22-41926817-G-A.
Other names: c.348C>T, p.Gly116= (NM_001018052.4); c.435C>T, p.Gly145= (NM_001282884.2, NM_001282885.2, NM_138338.5).
Identifiers: ClinVar variation 3239094 (VCV003239094.19), dbSNP rs140567350.